The following is an entry in ClinVar:

ClinVar aggregate classification (germline): Benign (1 of 4 stars; one submission).

Allele frequency attached by ClinVar (database versions not stated): 1000 Genomes Project 0.57308; 1000 Genomes Project 30x 0.57808; ExAC 0.64252; gnomAD 0.69194; TOPMed 0.69627; ESP Exome Variant Server 0.71190; gnomAD exomes 0.71866.
gnomAD v4.1: 1,096,544 of 1,532,720 alleles (72%); highest among the groups gnomAD compares: Admixed American, 81%; 397,438 homozygotes.

Submission:

Unidad de Genómica Garrahan, Hospital de Pediatría Garrahan
Classification: Benign. Last evaluated: 2024-01-24. Review status: criteria provided, single submitter. Criteria: ACMG Guidelines, 2015. Collection method: clinical testing. Allele origin: germline. Affected: no. Observed: 61 variant alleles.
Comment: This variant is classified as Benign based on local population frequency. This variant was detected in 64% of patients studied by a panel of primary immunodeficiencies. Number of patients: 61. Only high quality variants are reported.

NM_006235.3(POU2AF1):c.147+43A>G

Gene: POU2AF1 (POU class 2 homeobox associating factor 1; minus strand). Cytogenetic location: 11q23.1.
Variant type: single nucleotide variant.
Coding change: c.147+43A>G on transcript NM_006235.3 (MANE Select); 43 bases into the intron after coding-DNA position 147, A replaced by G.
Molecular consequence: intron variant.
Genome position (GRCh38, 1-based): chr11:111,358,745, T>C on the plus strand (A>G on the coding strand, the complement: POU2AF1 is on the minus strand). VCF-style: chr11-111358745-T-C. GRCh37 (hg19) VCF-style: chr11-111229470-T-C.
Identifiers: ClinVar variation 2688040 (VCV002688040.2), dbSNP rs12282082, ClinGen allele CA6271990.